The following is an entry in ClinVar:

ClinVar aggregate classification (germline): Uncertain significance (1 of 4 stars; one submission).

Conditions:
Hereditary breast ovarian cancer syndrome. Also called: BRCA1- and BRCA2-Associated Hereditary Breast and Ovarian Cancer; Breast and ovarian cancer; Hereditary breast and ovarian cancer; Hereditary breast and ovarian cancer syndrome (HBOC); Hereditary breast and ovarian cancer syndrome; Hereditary breast and/or ovarian cancer syndrome. Identifiers: Orphanet 145, MedGen C0677776, MeSH D061325, MONDO:0003582. Disease mechanism: loss of function.

Submission:

Labcorp Genetics (formerly Invitae), Labcorp
Classification: Uncertain significance for Hereditary breast ovarian cancer syndrome. Last evaluated: 2025-12-03. Review status: criteria provided, single submitter. Criteria: Invitae Variant Classification Sherloc (09022015). Collection method: clinical testing. Allele origin: germline.
Comment: This sequence change replaces proline, which is neutral and non-polar, with histidine, which is basic and polar, at codon 1856 of the BRCA1 protein (p.Pro1856His). This variant is not present in population databases (gnomAD no frequency). This variant has not been reported in the literature in individuals affected with BRCA1-related conditions. ClinVar contains an entry for this variant (Variation ID: 3701665). Invitae Evidence Modeling of protein sequence and biophysical properties (such as structural, functional, and spatial information, amino acid conservation, physicochemical variation, residue mobility, and thermodynamic stability) indicates that this missense variant is not expected to disrupt BRCA1 protein function with a negative predictive value of 95%. In summary, the available evidence is currently insufficient to determine the role of this variant in disease. Therefore, it has been classified as a Variant of Uncertain Significance.

NM_007294.4(BRCA1):c.5567C>A (p.Pro1856His)

Gene: BRCA1 (BRCA1 DNA repair associated; minus strand). Cytogenetic location: 17q21.31.
Variant type: single nucleotide variant.
Coding change: c.5567C>A on transcript NM_007294.4 (MANE Select); coding-DNA position 5567, C replaced by A.
Protein change: p.Pro1856His; replaces proline 1856 with histidine.
Molecular consequence: missense variant. On other transcripts: 3 prime UTR variant (17).
Genome position (GRCh38, 1-based): chr17:43,045,703, G>T on the plus strand (C>A on the coding strand, the complement: BRCA1 is on the minus strand). VCF-style: chr17-43045703-G-T. GRCh37 (hg19) VCF-style: chr17-41197720-G-T.
Other names: c.5438C>A, p.Pro1813His (NM_001407688.1, NM_001407689.1, NM_001407681.1 and 6 more transcripts); c.5435C>A, p.Pro1812His (NM_001407690.1, NM_001407691.1); c.5426C>A, p.Pro1809His (NM_001407692.1, NM_001407694.1, NM_001407695.1 and 12 more transcripts); c.5423C>A, p.Pro1808His (NM_001407732.1, NM_001407733.1, NM_001407734.1 and 18 more transcripts); c.5420C>A, p.Pro1807His (NM_001407838.1, NM_001407839.1, NM_001407841.1 and 12 more transcripts); c.*81C>A (NM_001407854.1, NM_001407858.1, NM_001407859.1 and 14 more transcripts); c.5366C>A, p.Pro1789His (NM_001407862.1); c.5363C>A, p.Pro1788His (NM_001407863.1); and 74 more; short protein forms P1728H, P1768H, P1772H, P1784H, P1785H, P1786H, P1807H, P1808H.
Identifiers: ClinVar variation 3701665 (VCV003701665.2).